The following is an entry in ClinVar:

ClinVar aggregate classification (germline): Uncertain significance (1 of 4 stars; one submission).

gnomAD v4.1: 24 of 1,614,094 alleles (0.0015%); highest among the groups gnomAD compares: Middle Eastern, 0.016%; no homozygotes.

Submission:

Labcorp Genetics (formerly Invitae), Labcorp
Classification: Uncertain significance. Last evaluated: 2022-04-22. Review status: criteria provided, single submitter. Criteria: Invitae Variant Classification Sherloc (09022015). Collection method: clinical testing. Allele origin: germline.
Comment: This sequence change replaces histidine, which is basic and polar, with aspartic acid, which is acidic and polar, at codon 693 of the MTHFD1 protein (p.His693Asp). This variant is present in population databases (rs757239075, gnomAD 0.0009%). This variant has not been reported in the literature in individuals affected with MTHFD1-related conditions. Algorithms developed to predict the effect of missense changes on protein structure and function (SIFT, PolyPhen-2, Align-GVGD) all suggest that this variant is likely to be tolerated. In summary, the available evidence is currently insufficient to determine the role of this variant in disease. Therefore, it has been classified as a Variant of Uncertain Significance.

NM_005956.4(MTHFD1):c.2077C>G (p.His693Asp)

Gene: MTHFD1 (methylenetetrahydrofolate dehydrogenase, cyclohydrolase and formyltetrahydrofolate synthetase 1; plus strand). Cytogenetic location: 14q23.3.
Variant type: single nucleotide variant.
Coding change: c.2077C>G on transcript NM_005956.4 (MANE Select); coding-DNA position 2077, C replaced by G.
Protein change: p.His693Asp; replaces histidine 693 with aspartic acid.
Molecular consequence: missense variant.
Genome position (GRCh38, 1-based): chr14:64,442,343, C>G. VCF-style: chr14-64442343-C-G. GRCh37 (hg19) VCF-style: chr14-64909061-C-G.
Other names: c.2077C>G, p.His693Asp (NM_001364837.1); short protein forms H693D.
Identifiers: ClinVar variation 1372323 (VCV001372323.5), dbSNP rs757239075, ClinGen allele CA7226479.
Genomic context (GRCh38, chr14:64,442,343, plus strand): 5'-GCAGACATTGGAATGGAAAAGTTTTTTAACATCAAATGCCGGTATTCCGGCCTCTGCCCC[C>G]ACGTGGTGGTGCTTGTTGCCACTGTCAGGGCTCTCAAGATGCACGGGGGCGGCCCCACGG-3'
Protein context (NP_005947.3, residues 683-703): IKCRYSGLCP[His693Asp]VVVLVATVRA